The following is an entry in ClinVar:

NM_032043.3(BRIP1):c.3448G>C (p.Ala1150Pro)

Gene: BRIP1 (BRCA1 interacting DNA helicase 1; minus strand). Cytogenetic location: 17q23.2.
Variant type: single nucleotide variant.
Coding change: c.3448G>C on transcript NM_032043.3 (MANE Select); coding-DNA position 3448, G replaced by C.
Protein change: p.Ala1150Pro; replaces alanine 1150 with proline.
Molecular consequence: missense variant.
Genome position (GRCh38, 1-based): chr17:61,683,598, C>G on the plus strand (G>C on the coding strand, the complement: BRIP1 is on the minus strand). VCF-style: chr17-61683598-C-G. GRCh37 (hg19) VCF-style: chr17-59760959-C-G.
Other names: short protein forms A1150P.
Identifiers: ClinVar variation 823782 (VCV000823782.16), dbSNP rs757363615, ClinGen allele CA8690363.

ClinVar aggregate classification (germline): Uncertain significance. Review status: criteria provided, multiple submitters, no conflicts (2 of 4 stars). 4 submissions from 4 submitters: Uncertain significance (4). Last evaluated 2025-04-10.

Conditions:
Hereditary cancer-predisposing syndrome. Also called: Neoplastic Syndromes, Hereditary; Hereditary Cancer Syndrome; Hereditary neoplastic syndrome; Tumor predisposition. Identifiers: Orphanet 140162, MedGen C0027672, MeSH D009386, MONDO:0015356.
Fanconi anemia complementation group J. Also called: BRIP1-Related Fanconi Anemia. Identifiers: Orphanet 84, MedGen C1836860, MONDO:0012187, OMIM 609054.
Familial cancer of breast. Also called: hereditary breast carcinoma; BREAST CANCER, FAMILIAL; Hereditary breast cancer. Identifiers: Orphanet 227535, MedGen C0346153, MONDO:0016419, OMIM 114480. Disease mechanism: loss of function.

Allele frequency attached by ClinVar (database versions not stated): ExAC 0.00001; gnomAD exomes 0.00001.
gnomAD v4.1: 17 of 1,612,256 alleles (0.0011%); highest among the groups gnomAD compares: Non-Finnish European, 0.0014%; no homozygotes.

Submissions (4):

Labcorp Genetics (formerly Invitae), Labcorp
Classification: Uncertain significance for Familial cancer of breast; Fanconi anemia complementation group J. Last evaluated: 2025-04-10. Review status: criteria provided, single submitter. Criteria: Invitae Variant Classification Sherloc (09022015). Collection method: clinical testing. Allele origin: germline.
Comment: This sequence change replaces alanine, which is neutral and non-polar, with proline, which is neutral and non-polar, at codon 1150 of the BRIP1 protein (p.Ala1150Pro). This variant is present in population databases (rs757363615, gnomAD 0.007%). This variant has not been reported in the literature in individuals affected with BRIP1-related conditions. ClinVar contains an entry for this variant (Variation ID: 823782). Invitae Evidence Modeling of protein sequence and biophysical properties (such as structural, functional, and spatial information, amino acid conservation, physicochemical variation, residue mobility, and thermodynamic stability) indicates that this missense variant is not expected to disrupt BRIP1 protein function with a negative predictive value of 95%. In summary, the available evidence is currently insufficient to determine the role of this variant in disease. Therefore, it has been classified as a Variant of Uncertain Significance.

Ambry Genetics
Classification: Uncertain significance for Hereditary cancer-predisposing syndrome. Last evaluated: 2023-05-03. Review status: criteria provided, single submitter. Criteria: Ambry Variant Classification Scheme 2023. Collection method: clinical testing. Allele origin: germline.
Comment: The p.A1150P variant (also known as c.3448G>C), located in coding exon 19 of the BRIP1 gene, results from a G to C substitution at nucleotide position 3448. The alanine at codon 1150 is replaced by proline, an amino acid with highly similar properties. This amino acid position is poorly conserved in available vertebrate species. In addition, this alteration is predicted to be tolerated by in silico analysis. Since supporting evidence is limited at this time, the clinical significance of this alteration remains unclear.

GeneDx
Classification: Uncertain significance. Last evaluated: 2023-03-23. Review status: criteria provided, single submitter. Criteria: GeneDx Variant Classification Process June 2021. Collection method: clinical testing. Allele origin: germline. Affected: yes.
Comment: Not observed at significant frequency in large population cohorts (gnomAD); In silico analysis supports that this missense variant does not alter protein structure/function; Has not been previously published as pathogenic or benign to our knowledge; This variant is associated with the following publications: (PMID: 21127055, 20159562)

Color Diagnostics, LLC DBA Color Health
Classification: Uncertain significance for Hereditary cancer-predisposing syndrome. Last evaluated: 2019-10-31. Review status: criteria provided, single submitter. Criteria: ACMG Guidelines, 2015. Collection method: clinical testing. Allele origin: germline.
Comment: This missense variant replaces alanine with proline at codon 1150 of the BRIP1 protein. Computational prediction tool suggests that this variant may not impact protein structure and function (internally defined REVEL score threshold ≤0.5, PMID: 27666373). Splice site prediction tools suggest that this variant may not impact RNA splicing. To our knowledge, functional studies have not been performed for this variant. This variant has been reported in an individual affected with breast cancer (PMID: 26921362). This variant has been identified in 3/249878 chromosomes in the general population by the Genome Aggregation Database (gnomAD). The available evidence is insufficient to determine the role of this variant in disease conclusively. Therefore, this variant is classified as a Variant of Uncertain Significance.